The following is an entry in ClinVar:

NM_007294.4(BRCA1):c.3152_3172del (p.Thr1051_Ser1057del)

Gene: BRCA1 (BRCA1 DNA repair associated; minus strand). Cytogenetic location: 17q21.31.
Variant type: Deletion.
Coding change: c.3152_3172del on transcript NM_007294.4 (MANE Select); coding-DNA positions 3152 to 3172, 21 bases deleted (CTAATGAAGTGGGCTCCAGTA).
Protein change: p.Thr1051_Ser1057del.
Molecular consequence: inframe deletion. On other transcripts: inframe indel (1), intron variant (137).
Genome position (GRCh38, 1-based): chr17:43,092,359-43,092,379, TACTGGAGCCCACTTCATTAG deleted on the plus strand (CTAATGAAGTGGGCTCCAGTA on the coding strand, the reverse complement: BRCA1 is on the minus strand); deleting any 21 consecutive bases within chr17:43,092,359-43,092,386 gives the same sequence; the c. name uses the placement nearest the transcript's 3' end. VCF-style (leftmost placement, unchanged base first): chr17-43092358-ATACTGGAGCCCACTTCATTAG-A. GRCh37 (hg19) VCF-style: chr17-41244375-ATACTGGAGCCCACTTCATTAG-A.
Other names: c.2939_2959del, p.Thr980_Ser986del (NM_001407571.1, NM_001407853.1, NM_001407894.1 and 9 more transcripts); c.3152_3172del, p.Thr1051_Ser1057del (NM_001407581.1, NM_001407582.1, NM_001407583.1 and 30 more transcripts); c.3149_3169del, p.Thr1050_Ser1056del (NM_001407587.1, NM_001407590.1, NM_001407591.1 and 22 more transcripts); c.3143_3163del, p.Thr1048_Ser1054del (NM_001407646.1, NM_001407647.1); c.3029_3049del, p.Thr1010_Ser1016del (NM_001407648.1, NM_001407664.1, NM_001407665.1 and 19 more transcripts); c.3026_3046del, p.Thr1009_Ser1015del (NM_001407649.1, NM_001407670.1, NM_001407671.1 and 11 more transcripts); c.3074_3094del, p.Thr1025_Ser1031del (NM_001407653.1, NM_001407654.1, NM_001407655.1 and 4 more transcripts); c.3071_3091del, p.Thr1024_Ser1030del (NM_001407659.1, NM_001407660.1, NM_001407661.1 and 1 more transcripts); and 43 more.
Identifiers: ClinVar variation 939064 (VCV000939064.11), dbSNP rs2053631502, ClinGen allele CA1139665619.
Genomic context (GRCh38, chr17:43,092,358, plus strand): 5'-GGCCCTCTGTTTCTACCTAGTTCTGCTTGAATGTTTTCATCACTGGAACCTATTTCATTA[ATACTGGAGCCCACTTCATTAG>A]TACTGGAACCTACTTCATTAATATTGCTTGAGCTGGCTTCTTTAAAAACATTTTCTCTAA-3'

ClinVar aggregate classification (germline): Conflicting classifications of pathogenicity. Review status: criteria provided, conflicting classifications (1 of 4 stars). 3 submissions from 3 submitters: Uncertain significance (2); Likely benign (1). Last evaluated 2025-08-06.

Conditions:
Hereditary cancer-predisposing syndrome. Also called: Hereditary neoplastic syndrome; Tumor predisposition; Neoplastic Syndromes, Hereditary; Hereditary Cancer Syndrome. Identifiers: Orphanet 140162, MedGen C0027672, MeSH D009386, MONDO:0015356.
Hereditary breast ovarian cancer syndrome. Also called: Hereditary breast and ovarian cancer syndrome (HBOC); Hereditary breast and/or ovarian cancer syndrome; Hereditary breast and ovarian cancer; BRCA1- and BRCA2-Associated Hereditary Breast and Ovarian Cancer; Hereditary breast and ovarian cancer syndrome; Breast and ovarian cancer. Identifiers: Orphanet 145, MedGen C0677776, MeSH D061325, MONDO:0003582. Disease mechanism: loss of function.
Breast-ovarian cancer, familial, susceptibility to, 1 (BROVCA1). Also called: BRCA1 Hereditary Breast and Ovarian Cancer; OVARIAN CANCER, SUSCEPTIBILITY TO. Identifiers: Orphanet 145, MedGen C2676676, MONDO:0011450, OMIM 604370. Disease mechanism: loss of function.

Submissions (3):

Myriad Genetics, Inc.
Classification: Likely benign for Breast-ovarian cancer, familial, susceptibility to, 1. Last evaluated: 2025-08-06. Review status: criteria provided, single submitter. Criteria: Myriad Autosomal Dominant, Autosomal Recessive and X-Linked Classification Criteria (2023). Collection method: clinical testing. Allele origin: unknown.
Comment: This variant is considered likely benign. Homozygosity has been confirmed in one or more individuals. As homozygosity for pathogenic variants in this gene is generally assumed to result in embryonic lethality, this variant is unlikely to be pathogenic.

Ambry Genetics
Classification: Uncertain significance for Hereditary cancer-predisposing syndrome. Last evaluated: 2025-03-30. Review status: criteria provided, single submitter. Criteria: Ambry Variant Classification Scheme 2023. Collection method: clinical testing. Allele origin: germline.
Comment: The c.3152_3172del21 variant (also known as p.T1051_S1057del) is located in coding exon 9 of the BRCA1 gene. This variant results from an in-frame CTAATGAAGTGGGCTCCAGTA deletion at nucleotide positions 3152 to 3172. This results in the in-frame deletion of seven amino acids at codons 1051 to 1057. This amino acid region is well conserved in available vertebrate species. In addition, this alteration is predicted to be deleterious by in silico analysis (Choi Y et al. PLoS ONE. 2012; 7(10):e46688). Based on the available evidence, the clinical significance of this variant remains unclear.

Labcorp Genetics (formerly Invitae), Labcorp
Classification: Uncertain significance for Hereditary breast ovarian cancer syndrome. Last evaluated: 2025-02-04. Review status: criteria provided, single submitter. Criteria: Invitae Variant Classification Sherloc (09022015). Collection method: clinical testing. Allele origin: germline.
Comment: This variant, c.3152_3172del, results in the deletion of 7 amino acid(s) of the BRCA1 protein (p.Thr1051_Ser1057del), but otherwise preserves the integrity of the reading frame. This variant is not present in population databases (gnomAD no frequency). This variant has not been reported in the literature in individuals affected with BRCA1-related conditions. ClinVar contains an entry for this variant (Variation ID: 939064). Experimental studies and prediction algorithms are not available or were not evaluated, and the functional significance of this variant is currently unknown. In summary, the available evidence is currently insufficient to determine the role of this variant in disease. Therefore, it has been classified as a Variant of Uncertain Significance.